The following is an entry in ClinVar:

ClinVar aggregate classification (germline): Benign. Review status: criteria provided, single submitter (1 of 4 stars). 2 submissions from 2 submitters: Benign (1). 1 of the submissions does not count toward it. Last evaluated 2025-11-03.

Conditions:
POLR1A-related disorder. Also called: POLR1A-related condition.

Allele frequency attached by ClinVar (database versions not stated): TOPMed 0.00003; gnomAD 0.00005; gnomAD exomes 0.00013; ExAC 0.00024.

Submissions (2):

Labcorp Genetics (formerly Invitae), Labcorp
Classification: Benign. Last evaluated: 2025-11-03. Review status: criteria provided, single submitter. Criteria: Invitae Variant Classification Sherloc (09022015). Collection method: clinical testing. Allele origin: germline.

PreventionGenetics, part of Exact Sciences
Classification: Likely benign for POLR1A-related condition. Last evaluated: 2020-05-28. Review status: no assertion criteria provided. Collection method: clinical testing. Allele origin: germline. Not counted in ClinVar's aggregate classification.
Comment: This variant is classified as likely benign based on ACMG/AMP sequence variant interpretation guidelines (Richards et al. 2015 PMID: 25741868, with internal and published modifications).

NM_015425.6(POLR1A):c.4431C>T (p.Pro1477=)

Gene: POLR1A (RNA polymerase I subunit A; minus strand). Cytogenetic location: 2p11.2.
Variant type: single nucleotide variant.
Coding change: c.4431C>T on transcript NM_015425.6 (MANE Select); coding-DNA position 4431, C replaced by T.
Protein change: p.Pro1477=; no amino-acid change (proline 1477 retained).
Molecular consequence: synonymous variant.
Genome position (GRCh38, 1-based): chr2:86,031,477, G>A on the plus strand (C>T on the coding strand, the complement: POLR1A is on the minus strand). VCF-style: chr2-86031477-G-A. GRCh37 (hg19) VCF-style: chr2-86258600-G-A.
Other names: c.4431C>T (NM_015425.4).
Identifiers: ClinVar variation 2186782 (VCV002186782.6), dbSNP rs751621067, ClinGen allele CA1745497.